The following is an entry in ClinVar:

NM_000077.5(CDKN2A):c.362T>G (p.Leu121Arg)

Gene: CDKN2A (cyclin dependent kinase inhibitor 2A; minus strand). Cytogenetic location: 9p21.3.
Variant type: single nucleotide variant.
Coding change: c.362T>G on transcript NM_000077.5; coding-DNA position 362, T replaced by G.
Protein change: p.Leu121Arg; replaces leucine 121 with arginine.
Molecular consequence: missense variant (on NM_000077.6). On other transcripts: 3 prime UTR variant (2).
Genome position (GRCh38, 1-based): chr9:21,970,997, A>C on the plus strand (T>G on the coding strand, the complement: CDKN2A is on the minus strand). VCF-style: chr9-21970997-A-C. GRCh37 (hg19) VCF-style: chr9-21970996-A-C.
Other names: c.362T>G, p.Leu121Arg (NM_000077.6, NM_001195132.2); c.209T>G, p.Leu70Arg (NM_001363763.2); c.*6T>G (NM_058195.4); c.*285T>G (NM_058197.5); short protein forms L121R, L70R.
Identifiers: ClinVar variation 2723614 (VCV002723614.4), dbSNP rs1162584542, ClinGen allele CA373085975.
Genomic context (GRCh38, chr9:21,970,997, plus strand): 5'-TTACTGCCTCTGGTGCCCCCCGCAGCCGCGCGCAGGTACCGTGCGACATCGCGATGGCCC[A>C]GCTCCTCAGCCAGGTCCACGGGCAGACGGCCCCAGGCATCGCGCACGTCCAGCCGCGCCC-3'
Protein context (NP_000068.1, residues 111-131): GRLPVDLAEE[Leu121Arg]GHRDVARYLR

ClinVar aggregate classification (germline): Conflicting classifications of pathogenicity. Review status: criteria provided, conflicting classifications (1 of 4 stars). 2 submissions from 2 submitters: Uncertain significance (1); Likely benign (1). Last evaluated 2024-10-04.

Conditions:
Hereditary cancer-predisposing syndrome. Also called: Neoplastic Syndromes, Hereditary; Hereditary Cancer Syndrome; Tumor predisposition; Hereditary neoplastic syndrome. Identifiers: Orphanet 140162, MedGen C0027672, MeSH D009386, MONDO:0015356.
Familial melanoma. Also called: Hereditary melanoma; Hereditary cutaneous melanoma. Identifiers: Orphanet 618, MedGen C1512419, MONDO:0018961.

Allele frequency attached by ClinVar (database versions not stated): TOPMed below 0.00001; gnomAD 0.00001.
gnomAD v4.1: 1 of 1,609,504 alleles (0.000062%); highest among the groups gnomAD compares: Non-Finnish European, 0.000085%; no homozygotes.

Submissions (2):

Ambry Genetics
Classification: Likely benign for Hereditary cancer-predisposing syndrome. Last evaluated: 2024-10-04. Review status: criteria provided, single submitter. Criteria: Ambry Variant Classification Scheme 2023. Collection method: clinical testing. Allele origin: germline.

Labcorp Genetics (formerly Invitae), Labcorp
Classification: Uncertain significance for Familial melanoma. Last evaluated: 2022-12-10. Review status: criteria provided, single submitter. Criteria: Invitae Variant Classification Sherloc (09022015). Collection method: clinical testing. Allele origin: germline.
Comment: In summary, the available evidence is currently insufficient to determine the role of this variant in disease. Therefore, it has been classified as a Variant of Uncertain Significance. Algorithms developed to predict the effect of missense changes on protein structure and function output the following: SIFT: "Tolerated"; PolyPhen-2: "Benign"; Align-GVGD: "Class C0". The arginine amino acid residue is found in multiple mammalian species, which suggests that this missense change does not adversely affect protein function. This variant has not been reported in the literature in individuals affected with CDKN2A (p16INK4a)-related conditions. This variant is not present in population databases (gnomAD no frequency). This sequence change replaces leucine, which is neutral and non-polar, with arginine, which is basic and polar, at codon 121 of the CDKN2A (p16INK4a) protein (p.Leu121Arg).